The following is an entry in ClinVar:

NM_001134831.2(AHI1):c.189+1G>T

Gene: AHI1 (Abelson helper integration site 1; minus strand). Cytogenetic location: 6q23.3.
Variant type: single nucleotide variant.
Coding change: c.189+1G>T on transcript NM_001134831.2 (MANE Select); the canonical splice donor site of the intron after coding-DNA position 189, G replaced by T.
Molecular consequence: splice donor variant.
Genome position (GRCh38, 1-based): chr6:135,467,580, C>A on the plus strand (G>T on the coding strand, the complement: AHI1 is on the minus strand). VCF-style: chr6-135467580-C-A. GRCh37 (hg19) VCF-style: chr6-135788718-C-A.
Other names: c.189+1G>T (NM_001134830.2, NM_001350503.2, NM_017651.5 and 2 more transcripts).
Identifiers: ClinVar variation 4763738 (VCV004763738.1).
Genomic context (GRCh38, chr6:135,467,580, plus strand): 5'-TCAATTTGTTTTTAGTGACTCTCATGCTCTTCTTCAGGCTGTTAGTGTTAGCAGTACTTA[C>A]ATCATCACTTGTAGTTTCTTTCATATAGTGAAGATTGCTTCTAATAGTGTCAGGCTAAAA-3'

ClinVar aggregate classification (germline): Likely pathogenic (1 of 4 stars; one submission).

Conditions:
Joubert syndrome. Also called: Familial aplasia of the vermis; JOUBERT-BOLTSHAUSER SYNDROME; CEREBELLOPARENCHYMAL DISORDER IV. Identifiers: Orphanet 475, MedGen C5979921, MONDO:0018772.

gnomAD v4.1: 3 of 1,606,548 alleles (0.00019%); highest among the groups gnomAD compares: Non-Finnish European, 0.00026%; no homozygotes.

Submission:

Labcorp Genetics (formerly Invitae), Labcorp
Classification: Likely pathogenic for Joubert syndrome. Last evaluated: 2025-12-01. Review status: criteria provided, single submitter. Criteria: Invitae Variant Classification Sherloc (09022015). Collection method: clinical testing. Allele origin: germline.
Comment: This sequence change affects a donor splice site in intron 5 of the AHI1 gene. It is expected to disrupt RNA splicing. Variants that disrupt the donor or acceptor splice site typically lead to a loss of protein function (PMID: 16199547), and loss-of-function variants in AHI1 are known to be pathogenic (PMID: 15322546, 16453322, 28442542, 29186038). This variant is not present in population databases (gnomAD no frequency). This variant has not been reported in the literature in individuals affected with AHI1-related conditions. Algorithms developed to predict the effect of sequence changes on RNA splicing suggest that this variant may disrupt the consensus splice site. In summary, the currently available evidence indicates that the variant is pathogenic, but additional data are needed to prove that conclusively. Therefore, this variant has been classified as Likely Pathogenic.

Literature cited by the submitters: PubMed 16199547; PubMed 15322546; PubMed 16453322; PubMed 28442542; PubMed 29186038.